The following is an entry in ClinVar:

NM_002076.4(GNS):c.1127C>G (p.Pro376Arg)

Gene: GNS (glucosamine (N-acetyl)-6-sulfatase; minus strand). Cytogenetic location: 12q14.3.
Variant type: single nucleotide variant.
Coding change: c.1127C>G on transcript NM_002076.4 (MANE Select); coding-DNA position 1127, C replaced by G.
Protein change: p.Pro376Arg; replaces proline 376 with arginine.
Molecular consequence: missense variant.
Genome position (GRCh38, 1-based): chr12:64,729,029, G>C on the plus strand (C>G on the coding strand, the complement: GNS is on the minus strand). VCF-style: chr12-64729029-G-C. GRCh37 (hg19) VCF-style: chr12-65122809-G-C.
Other names: short protein forms P376R.
Identifiers: ClinVar variation 1985867 (VCV001985867.1), dbSNP rs768197243, ClinGen allele CA6669748.
Genomic context (GRCh38, chr12:64,729,029, plus strand): 5'-AAGGACATCCCATCCATCTGTGTCTTATTTAGGTCGTAGCCAGCAATGTCCAAAATAGTA[G>C]GACCCAAGTCAATGTTGGCAACCAGCATCTATGAGAATGAGGGAAAAACAATCTAGAACA-3'
Protein context (NP_002067.1, residues 366-386): KMLVANIDLG[Pro376Arg]TILDIAGYDL

ClinVar aggregate classification (germline): Uncertain significance (1 of 4 stars; one submission).

Conditions:
Mucopolysaccharidosis, MPS-III-D (MPS3D). Also called: N-ACETYLGLUCOSAMINE-6-SULFATASE DEFICIENCY; SANFILIPPO SYNDROME D; MPS III D; Mucopoly-saccharidosis type 3D; N-acetylglucosamine-6-sulfate sulfatase deficiency; MPS 3D. Identifiers: Orphanet 581, Orphanet 79272, MedGen C0086650, MONDO:0009658, OMIM 252940.

Allele frequency attached by ClinVar (database versions not stated): TOPMed below 0.00001.
gnomAD v4.1: 5 of 1,593,402 alleles (0.00031%); highest among the groups gnomAD compares: Non-Finnish European, 0.00043%; no homozygotes.

Submission:

Labcorp Genetics (formerly Invitae), Labcorp
Classification: Uncertain significance for Mucopolysaccharidosis, MPS-III-D. Last evaluated: 2022-06-02. Review status: criteria provided, single submitter. Criteria: Invitae Variant Classification Sherloc (09022015). Collection method: clinical testing. Allele origin: germline.
Comment: This sequence change replaces proline, which is neutral and non-polar, with arginine, which is basic and polar, at codon 376 of the GNS protein (p.Pro376Arg). This variant is present in population databases (rs768197243, gnomAD 0.003%). This variant has not been reported in the literature in individuals affected with GNS-related conditions. Algorithms developed to predict the effect of missense changes on protein structure and function (SIFT, PolyPhen-2, Align-GVGD) all suggest that this variant is likely to be disruptive. In summary, the available evidence is currently insufficient to determine the role of this variant in disease. Therefore, it has been classified as a Variant of Uncertain Significance.